The following is an entry in ClinVar:

NM_000051.4(ATM):c.6975+1G>A

Genes: ATM (ATM serine/threonine kinase; plus strand), C11orf65 (chromosome 11 open reading frame 65; minus strand). Cytogenetic location: 11q22.3.
Variant type: single nucleotide variant.
Coding change: c.6975+1G>A on transcript NM_000051.4 (MANE Select); the canonical splice donor site of the intron after coding-DNA position 6975, G replaced by A.
Molecular consequence: splice donor variant. On other transcripts: intron variant (2).
Genome position (GRCh38, 1-based): chr11:108,326,226, G>A. VCF-style: chr11-108326226-G-A. GRCh37 (hg19) VCF-style: chr11-108196953-G-A.
Other names: c.6975+1G>A (NM_001351834.2); c.641-17155C>T (NM_001330368.2); c.*38+8994C>T (NM_001351110.2).
Identifiers: ClinVar variation 1465621 (VCV001465621.11), dbSNP rs1565521129, ClinGen allele CA382557513.
Genomic context (GRCh38, chr11:108,326,226, plus strand): 5'-AGTCTTGCCCTGAGTATTCTCAAGCAAATGATCAAGAAGTTGGATGCCAGCTGTGCAGCG[G>A]TTTGTTTTTTTTATTGGCTGGATTAGTGTTTTACTGTTATTTAAAAAAACACAAATGTAC-3'

ClinVar aggregate classification (germline): Likely pathogenic. Review status: criteria provided, multiple submitters, no conflicts (2 of 4 stars). 5 submissions from 5 submitters: Likely pathogenic (5). Last evaluated 2025-10-05.

Conditions:
Hereditary cancer-predisposing syndrome. Also called: Neoplastic Syndromes, Hereditary; Tumor predisposition; Hereditary Cancer Syndrome; Hereditary neoplastic syndrome. Identifiers: Orphanet 140162, MedGen C0027672, MeSH D009386, MONDO:0015356.
Familial cancer of breast. Also called: BREAST CANCER, FAMILIAL; Hereditary breast cancer; hereditary breast carcinoma. Identifiers: Orphanet 227535, MedGen C0346153, MONDO:0016419, OMIM 114480. Disease mechanism: loss of function.
Ataxia-telangiectasia syndrome (AT). Also called: LOUIS-BAR SYNDROME; Cerebello-oculocutaneous telangiectasia; Immunodeficiency with ataxia telangiectasia; Ataxia telangiectasia (A-T); Ataxia-telangiectasia, complementation group D; AT, COMPLEMENTATION GROUP C. Identifiers: Orphanet 100, MedGen C0004135, MONDO:0008840, OMIM 208900.

Submissions (5):

Labcorp Genetics (formerly Invitae), Labcorp
Classification: Likely pathogenic for Ataxia-telangiectasia syndrome. Last evaluated: 2025-10-05. Review status: criteria provided, single submitter. Criteria: Invitae Variant Classification Sherloc (09022015). Collection method: clinical testing. Allele origin: germline.
Comment: This sequence change affects a donor splice site in intron 47 of the ATM gene. It is expected to disrupt RNA splicing. Variants that disrupt the donor or acceptor splice site typically lead to a loss of protein function (PMID: 16199547), and loss-of-function variants in ATM are known to be pathogenic (PMID: 23807571, 25614872). This variant is not present in population databases (gnomAD no frequency). This variant has not been reported in the literature in individuals affected with ATM-related conditions. ClinVar contains an entry for this variant (Variation ID: 1465621). Algorithms developed to predict the effect of sequence changes on RNA splicing suggest that this variant may disrupt the consensus splice site. In summary, the currently available evidence indicates that the variant is pathogenic, but additional data are needed to prove that conclusively. Therefore, this variant has been classified as Likely Pathogenic.

Natera, Inc.
Classification: Likely pathogenic for Ataxia-telangiectasia. Last evaluated: 2025-04-17. Review status: criteria provided, single submitter. Criteria: Natera Variant Classification Schema (03/2026). Collection method: clinical testing. Allele origin: germline.
Comment: The c.6975+1G>A variant in ATM is a canonical splice donor site variant predicted to affect pre-mRNA splicing, which may result in an abnormal transcript and altered protein product. This variant may result in a truncated or dysfunctional protein product. This variant is rare in the general population with a frequency below the threshold expected for the associated phenotype(s). This variant has been observed in one or more individuals affected with the associated recessive disease, as either homozygous or compound heterozygous with a second variant (PMID: 21665257). Given the available evidence, this variant is classified as Likely Pathogenic.

Myriad Genetics, Inc.
Classification: Likely pathogenic for Familial cancer of breast. Last evaluated: 2024-01-30. Review status: criteria provided, single submitter. Criteria: Myriad Autosomal Dominant, Autosomal Recessive and X-Linked Classification Criteria (2023). Collection method: clinical testing. Allele origin: unknown.
Comment: This variant is considered likely pathogenic. This variant occurs within a consensus splice junction and is predicted to result in abnormal mRNA splicing of either an out-of-frame exon or an in-frame exon necessary for protein stability and/or normal function.

Clinical Genetics Laboratory, Skane University Hospital Lund
Classification: Likely pathogenic. Last evaluated: 2022-05-27. Review status: criteria provided, single submitter. Criteria: ACMG Guidelines, 2015. Collection method: clinical testing. Allele origin: germline. Affected: yes.

Ambry Genetics
Classification: Likely pathogenic for Hereditary cancer-predisposing syndrome. Last evaluated: 2022-04-14. Review status: criteria provided, single submitter. Criteria: Ambry Variant Classification Scheme 2023. Collection method: clinical testing. Allele origin: germline.
Comment: The c.6975+1G>A intronic variant results from a G to A substitution one nucleotide after coding exon 46 of the ATM gene. Alterations that disrupt the canonical splice site are expected to cause aberrant splicing. In silico splice site analysis predicts that this alteration will weaken the native splice donor site. The resulting transcript is predicted to be in-frame and is not expected to trigger nonsense-mediated mRNA decay; however, direct evidence is insufficient at this time (Ambry internal data). The exact functional effect of the altered amino acid sequence is unknown; however, the impacted region is critical for protein function (Ambry internal data). This variant is considered to be rare based on population cohorts in the Genome Aggregation Database (gnomAD). This nucleotide position is not well conserved in available vertebrate species. Based on the majority of available evidence to date, this variant is likely to be pathogenic.

Literature cited by the submitters: PubMed 16199547 (cited by Labcorp Genetics (formerly Invitae), Labcorp); PubMed 23807571 (cited by Labcorp Genetics (formerly Invitae), Labcorp); PubMed 25614872 (cited by Labcorp Genetics (formerly Invitae), Labcorp); PubMed 21665257 (cited by Natera, Inc.).